The following is an entry in ClinVar:

ClinVar aggregate classification (germline): Uncertain significance. Review status: criteria provided, multiple submitters, no conflicts (2 of 4 stars). 2 submissions from 2 submitters: Uncertain significance (2). Last evaluated 2022-03-07.

Conditions:
Tumor predisposition syndrome 3 (TPDS3). Also called: Melanoma, cutaneous malignant, susceptibility to, 10; Glioma susceptibility 9; LONG TELOMERE SYNDROME, POT1-RELATED; POT1 Tumor Predisposition. Identifiers: Orphanet 618, MedGen C4014476, MONDO:0014368, OMIM 615848.
Hereditary cancer-predisposing syndrome. Also called: Tumor predisposition; Hereditary Cancer Syndrome; Neoplastic Syndromes, Hereditary; Hereditary neoplastic syndrome. Identifiers: Orphanet 140162, MedGen C0027672, MeSH D009386, MONDO:0015356.

Submissions (2):

Ambry Genetics
Classification: Uncertain significance for Hereditary cancer-predisposing syndrome. Last evaluated: 2022-03-07. Review status: criteria provided, single submitter. Criteria: Ambry Variant Classification Scheme 2023. Collection method: clinical testing. Allele origin: germline.
Comment: The p.D129N variant (also known as c.385G>A), located in coding exon 4 of the POT1 gene, results from a G to A substitution at nucleotide position 385. The aspartic acid at codon 129 is replaced by asparagine, an amino acid with highly similar properties. This amino acid position is conserved. In addition, this alteration is predicted to be tolerated by in silico analysis. Since supporting evidence is limited at this time, the clinical significance of this alteration remains unclear.

Labcorp Genetics (formerly Invitae), Labcorp
Classification: Uncertain significance for Tumor predisposition syndrome 3. Last evaluated: 2019-10-25. Review status: criteria provided, single submitter. Criteria: Invitae Variant Classification Sherloc (09022015). Collection method: clinical testing. Allele origin: germline.
Comment: In summary, the available evidence is currently insufficient to determine the role of this variant in disease. Therefore, it has been classified as a Variant of Uncertain Significance. Algorithms developed to predict the effect of missense changes on protein structure and function are either unavailable or do not agree on the potential impact of this missense change (SIFT: "Tolerated"; PolyPhen-2: "Possibly Damaging"; Align-GVGD: "Class C0"). This variant has not been reported in the literature in individuals with POT1-related conditions. This variant is not present in population databases (ExAC no frequency). This sequence change replaces aspartic acid with asparagine at codon 129 of the POT1 protein (p.Asp129Asn). The aspartic acid residue is moderately conserved and there is a small physicochemical difference between aspartic acid and asparagine.

NM_015450.3(POT1):c.385G>A (p.Asp129Asn)

Gene: POT1 (protection of telomeres 1; minus strand). Cytogenetic location: 7q31.33.
Variant type: single nucleotide variant.
Coding change: c.385G>A on transcript NM_015450.3 (MANE Select); coding-DNA position 385, G replaced by A.
Protein change: p.Asp129Asn; replaces aspartic acid 129 with asparagine.
Molecular consequence: missense variant. On other transcripts: 5 prime UTR variant (1), non-coding transcript variant (3).
Genome position (GRCh38, 1-based): chr7:124,863,511, C>T on the plus strand (G>A on the coding strand, the complement: POT1 is on the minus strand). VCF-style: chr7-124863511-C-T. GRCh37 (hg19) VCF-style: chr7-124503565-C-T.
Other names: c.-9G>A (NM_001042594.2); short protein forms D129N.
Identifiers: ClinVar variation 969897 (VCV000969897.12), dbSNP rs1795649242, ClinGen allele CA369059640.